The following is an entry in ClinVar:

NM_000038.6(APC):c.1022A>G (p.Gln341Arg)

Gene: APC (APC regulator of Wnt signaling pathway; plus strand). Cytogenetic location: 5q22.2.
Variant type: single nucleotide variant.
Coding change: c.1022A>G on transcript NM_000038.6 (MANE Select); coding-DNA position 1022, A replaced by G.
Protein change: p.Gln341Arg; replaces glutamine 341 with arginine.
Molecular consequence: missense variant. On other transcripts: non-coding transcript variant (2), intron variant (15).
Genome position (GRCh38, 1-based): chr5:112,819,054, A>G. VCF-style: chr5-112819054-A-G. GRCh37 (hg19) VCF-style: chr5-112154751-A-G.
Other names: c.1022A>G, p.Gln341Arg (NM_001127510.3, NM_001354895.2, NM_001354896.2 and 4 more transcripts); c.968A>G, p.Gln323Arg (NM_001127511.3); c.1052A>G, p.Gln351Arg (NM_001354897.2, NM_001407446.1); c.947A>G, p.Gln316Arg (NM_001354898.2, NM_001407451.1); c.938A>G, p.Gln313Arg (NM_001354899.2, NM_001407452.1); c.845A>G, p.Gln282Arg (NM_001354900.2, NM_001354901.2, NM_001407453.1); c.173A>G, p.Gln58Arg (NM_001354906.2, NM_001407470.1); c.85-215A>G (NM_001407472.1, NM_001407471.1); and 5 more; short protein forms Q316R, Q341R, Q58R, Q313R, Q282R, Q323R, Q351R.
Identifiers: ClinVar variation 3928378 (VCV003928378.1).

ClinVar aggregate classification (germline): Uncertain significance (1 of 4 stars; one submission).

Conditions:
Hereditary cancer-predisposing syndrome. Also called: Hereditary Cancer Syndrome; Hereditary neoplastic syndrome; Neoplastic Syndromes, Hereditary; Tumor predisposition. Identifiers: Orphanet 140162, MedGen C0027672, MeSH D009386, MONDO:0015356.

gnomAD v4.1: 1 of 1,614,102 alleles (0.000062%); highest among the groups gnomAD compares: East Asian, 0.0022%; no homozygotes.

Submission:

Ambry Genetics
Classification: Uncertain significance for Hereditary cancer-predisposing syndrome. Last evaluated: 2025-03-29. Review status: criteria provided, single submitter. Criteria: Ambry Variant Classification Scheme 2023. Collection method: clinical testing. Allele origin: germline.
Comment: The p.Q341R variant (also known as c.1022A>G), located in coding exon 9 of the APC gene, results from an A to G substitution at nucleotide position 1022. The glutamine at codon 341 is replaced by arginine, an amino acid with highly similar properties. This amino acid position is conserved. In addition, in silico predictors for this gene do not accurately predict pathogenicity. Based on the available evidence, the clinical significance of this variant remains unclear.